The following is an entry in ClinVar:

ClinVar aggregate classification (germline): Uncertain significance (1 of 4 stars; one submission).

gnomAD v4.1: 2 of 1,614,198 alleles (0.00012%); highest among the groups gnomAD compares: Non-Finnish European, 0.00017%; no homozygotes.

Submission:

Labcorp Genetics (formerly Invitae), Labcorp
Classification: Uncertain significance. Last evaluated: 2025-07-07. Review status: criteria provided, single submitter. Criteria: Invitae Variant Classification Sherloc (09022015). Collection method: clinical testing. Allele origin: germline.
Comment: This sequence change replaces leucine, which is neutral and non-polar, with arginine, which is basic and polar, at codon 98 of the WHSC1 protein (p.Leu98Arg). This variant is present in population databases (no rsID available, gnomAD 0.0009%). This variant has not been reported in the literature in individuals affected with WHSC1-related conditions. An algorithm developed to predict the effect of missense changes on protein structure and function (PolyPhen-2) suggests that this variant is likely to be disruptive. In summary, the available evidence is currently insufficient to determine the role of this variant in disease. Therefore, it has been classified as a Variant of Uncertain Significance.

NM_001042424.3(NSD2):c.293T>G (p.Leu98Arg)

Gene: NSD2 (nuclear receptor binding SET domain protein 2; plus strand). Cytogenetic location: 4p16.3.
Variant type: single nucleotide variant.
Coding change: c.293T>G on transcript NM_001042424.3 (MANE Select); coding-DNA position 293, T replaced by G.
Protein change: p.Leu98Arg; replaces leucine 98 with arginine.
Molecular consequence: missense variant. On other transcripts: 5 prime UTR variant (2).
Genome position (GRCh38, 1-based): chr4:1,900,947, T>G. VCF-style: chr4-1900947-T-G. GRCh37 (hg19) VCF-style: chr4-1902674-T-G.
Other names: c.293T>G, p.Leu98Arg (NM_001440892.1, NM_001440893.1, NM_001440894.1 and 9 more transcripts); c.-514T>G (NM_001440899.1); c.-781T>G (NM_001440900.1); short protein forms L98R.
Identifiers: ClinVar variation 4699530 (VCV004699530.1).